The following is an entry in ClinVar:

ClinVar aggregate classification (germline): Conflicting classifications of pathogenicity. Review status: criteria provided, conflicting classifications (1 of 4 stars). 3 submissions from 3 submitters: Likely pathogenic (1); Uncertain significance (2). Last evaluated 2026-01-05.

Conditions:
Familial thoracic aortic aneurysm and aortic dissection (TAAD). Also called: Thoracic aortic aneurysms and dissections. Identifiers: Orphanet 91387, MedGen C4707243, MONDO:0019625.

Submissions (3):

Labcorp Genetics (formerly Invitae), Labcorp
Classification: Likely pathogenic for Familial thoracic aortic aneurysm and aortic dissection. Last evaluated: 2026-01-05. Review status: criteria provided, single submitter. Criteria: Invitae Variant Classification Sherloc (09022015). Collection method: clinical testing. Allele origin: germline.
Comment: This sequence change replaces glycine, which is neutral and non-polar, with valine, which is neutral and non-polar, at codon 253 of the TGFBR2 protein (p.Gly253Val). This variant is not present in population databases (gnomAD no frequency). This missense change has been observed in individuals with thoracic aortic aneurysm and dissection (PMID: 35830949; internal data). This variant is also known as c.833G>T (p.Gly278Val). ClinVar contains an entry for this variant (Variation ID: 862019). Invitae Evidence Modeling incorporating data from in vitro experimental studies (internal data) indicates that this missense variant is expected to disrupt TGFBR2 function with a positive predictive value of 95%. In summary, the currently available evidence indicates that the variant is pathogenic, but additional data are needed to prove that conclusively. Therefore, this variant has been classified as Likely Pathogenic.

GeneDx
Classification: Uncertain significance. Last evaluated: 2023-07-19. Review status: criteria provided, single submitter. Criteria: GeneDx Variant Classification Process June 2021. Collection method: clinical testing. Allele origin: germline. Affected: yes.
Comment: Not observed at significant frequency in large population cohorts (gnomAD); Published functional studies suggest this variant prevents TGFB1 signaling to downstream signaling proteins and potentially enhances the degradation of the TGFBR2 receptor (Chung et al., 2019); In silico analysis supports that this missense variant has a deleterious effect on protein structure/function; Has not been previously published as pathogenic or benign in individuals with Loeys-Dietz syndrome or other connective tissue disorders to our knowledge; This variant is associated with the following publications: (PMID: 31328403)

CHEO Genetics Diagnostic Laboratory, Children's Hospital of Eastern Ontario
Classification: Uncertain significance for Familial thoracic aortic aneurysm and aortic dissection. Last evaluated: 2021-12-16. Review status: criteria provided, single submitter. Criteria: ACMG Guidelines, 2015. Collection method: clinical testing. Allele origin: germline.

Literature cited by the submitters: PubMed 35830949 (cited by Labcorp Genetics (formerly Invitae), Labcorp).

NM_003242.6(TGFBR2):c.758G>T (p.Gly253Val)

Gene: TGFBR2 (transforming growth factor beta receptor 2; plus strand). Cytogenetic location: 3p24.1.
Variant type: single nucleotide variant.
Coding change: c.758G>T on transcript NM_003242.6 (MANE Select); coding-DNA position 758, G replaced by T.
Protein change: p.Gly253Val; replaces glycine 253 with valine.
Molecular consequence: missense variant.
Genome position (GRCh38, 1-based): chr3:30,671,941, G>T. VCF-style: chr3-30671941-G-T. GRCh37 (hg19) VCF-style: chr3-30713433-G-T.
Other names: c.833G>T, p.Gly278Val (NM_001024847.3); c.941G>T, p.Gly314Val (NM_001407126.1); c.866G>T, p.Gly289Val (NM_001407127.1); c.785G>T, p.Gly262Val (NM_001407128.1); c.761G>T, p.Gly254Val (NM_001407129.1); c.758G>T, p.Gly253Val (NM_001407130.1); c.653G>T, p.Gly218Val (NM_001407132.1, NM_001407133.1, NM_001407134.1 and 2 more transcripts); c.473G>T, p.Gly158Val (NM_001407137.1); and 1 more; short protein forms G253V, G278V, G254V, G218V, G262V, G289V, G133V, G158V.
Identifiers: ClinVar variation 862019 (VCV000862019.10), dbSNP rs1699346690, ClinGen allele CA351807807.